The following is an entry in ClinVar:

ClinVar aggregate classification (germline): Likely benign (0 of 4 stars; one submission).

Conditions:
HPS4-related disorder. Also called: HPS4-related condition.

Allele frequency attached by ClinVar (database versions not stated): gnomAD exomes 0.00003; 1000 Genomes Project 30x 0.00016; 1000 Genomes Project 0.00020; ExAC 0.00021; gnomAD 0.00053; TOPMed 0.00053; ESP Exome Variant Server 0.00077.
gnomAD v4.1: 130 of 1,603,324 alleles (0.0081%); highest among the groups gnomAD compares: African/African-American, 0.16%; no homozygotes.

Submission:

PreventionGenetics, part of Exact Sciences
Classification: Likely benign for HPS4-related condition. Last evaluated: 2022-11-21. Review status: no assertion criteria provided. Collection method: clinical testing. Allele origin: germline.
Comment: This variant is classified as likely benign based on ACMG/AMP sequence variant interpretation guidelines (Richards et al. 2015 PMID: 25741868, with internal and published modifications).

NM_022081.6(HPS4):c.*39A>G

Gene: HPS4 (HPS4 biogenesis of lysosomal organelles complex 3 subunit 2; minus strand). Cytogenetic location: 22q12.1.
Variant type: single nucleotide variant.
Coding change: c.*39A>G on transcript NM_022081.6 (MANE Select); 39 bases downstream of the stop codon, A replaced by G.
Molecular consequence: 3 prime UTR variant. On other transcripts: missense variant (2), non-coding transcript variant (8), intron variant (2).
Genome position (GRCh38, 1-based): chr22:26,453,194, T>C on the plus strand (A>G on the coding strand, the complement: HPS4 is on the minus strand). VCF-style: chr22-26453194-T-C. GRCh37 (hg19) VCF-style: chr22-26849160-T-C.
Other names: c.*39A>G (NM_001349896.1, NM_001349898.2, NM_001349899.2 and 3 more transcripts); c.1924A>G, p.Lys642Glu (NM_001349902.1, NM_001349903.2); c.*691A>G (NM_001410832.1); c.1955+4665A>G (NM_001349905.1, NM_001349904.2); short protein forms K642E.
Identifiers: ClinVar variation 3052722 (VCV003052722.2), dbSNP rs199986587, ClinGen allele CA10163075.